The following is an entry in ClinVar:

NM_021830.5(TWNK):c.639C>T (p.Gly213=)

Gene: TWNK (twinkle mtDNA helicase; plus strand). Cytogenetic location: 10q24.31.
Variant type: single nucleotide variant.
Coding change: c.639C>T on transcript NM_021830.5 (MANE Select); coding-DNA position 639, C replaced by T.
Protein change: p.Gly213=; no amino-acid change (glycine 213 retained).
Molecular consequence: synonymous variant. On other transcripts: non-coding transcript variant (4), intron variant (3).
Genome position (GRCh38, 1-based): chr10:100,988,849, C>T. VCF-style: chr10-100988849-C-T. GRCh37 (hg19) VCF-style: chr10-102748606-C-T.
Other names: p.G213G:GGC>GGT; c.639C>T, p.Gly213= (NM_001163812.2); c.-119-795C>T (NM_001163814.2, NM_001163813.2); c.-57-857C>T (NM_001368275.1).
Identifiers: ClinVar variation 136587 (VCV000136587.58), dbSNP rs11542130, ClinGen allele CA302706.

ClinVar aggregate classification (germline): Conflicting classifications of pathogenicity. Review status: criteria provided, conflicting classifications (1 of 4 stars). 12 submissions from 9 submitters: Uncertain significance (2); Benign (4); Likely benign (5). 1 of the submissions does not count toward it. Last evaluated 2026-08-01.

Conditions:
Autosomal recessive cerebellar ataxia. Also called: Spinocerebellar Ataxia, Recessive; Spinocerebellar ataxia, autosomal recessive. Identifiers: Orphanet 1172, MedGen C5575375, MONDO:0015244.
Hereditary spastic paraplegia. Also called: Familial spastic paraparesis. Identifiers: Orphanet 685, MedGen C0037773, MONDO:0019064. Disease mechanism: loss of function.
Infantile onset spinocerebellar ataxia (MTDPS7). Also called: OPHTHALMOPLEGIA, HYPOTONIA, ATAXIA, HYPOACUSIS, AND ATHETOSIS; OHAHA SYNDROME; SPINOCEREBELLAR ATAXIA, INFANTILE, WITH SENSORY NEUROPATHY; Mitochondrial DNA depletion syndrome 7 (hepatocerebral type). Identifiers: Orphanet 1186, MedGen C1849096, MONDO:0010060, OMIM 271245.
Progressive external ophthalmoplegia with mitochondrial DNA deletions, autosomal dominant 3. Also called: PROGRESSIVE EXTERNAL OPHTHALMOPLEGIA, AUTOSOMAL DOMINANT 3. Identifiers: MedGen C1836439, MONDO:0012241, OMIM 609286.
Sensory ataxic neuropathy, dysarthria, and ophthalmoparesis (SANDO). Also called: Ataxia Neuropathy Spectrum (ANS); Epilepsy, progressive myoclonic, type 5; SENSORY ATAXIC NEUROPATHY WITH MITOCHONDRIAL DNA DELETIONS, AUTOSOMAL RECESSIVE; Sensory ataxic neuropathy-dysarthria-ophthalmoparesis syndrome. Identifiers: Orphanet 70595, MedGen C1843851, MONDO:0011835, OMIM 607459.

Allele frequency attached by ClinVar (database versions not stated): 1000 Genomes Project 30x 0.00016; 1000 Genomes Project 0.00020; TOPMed 0.00111; gnomAD exomes 0.00115 and 0.00159; gnomAD 0.00126 and 0.00135; ExAC 0.00129; ESP Exome Variant Server 0.00138.

Submissions (12):

CeGaT Center for Human Genetics Tuebingen
Classification: Likely benign. Last evaluated: 2026-08-01. Review status: criteria provided, single submitter. Criteria: CeGaT Center For Human Genetics Tuebingen Variant Classification Criteria Version 2. Collection method: clinical testing. Allele origin: germline. Affected: yes. Observed: 8 variant alleles.
Comment: TWNK: BP4, BP7

Labcorp Genetics (formerly Invitae), Labcorp
Classification: Benign. Last evaluated: 2026-01-12. Review status: criteria provided, single submitter. Criteria: Invitae Variant Classification Sherloc (09022015). Collection method: clinical testing. Allele origin: germline.

Blueprint Genetics
Classification: Likely benign. Last evaluated: 2024-10-30. Review status: criteria provided, single submitter. Criteria: ACMG Guidelines, 2015. Collection method: clinical testing. Allele origin: germline.

ARUP Laboratories, Molecular Genetics and Genomics, ARUP Laboratories
Classification: Likely benign. Last evaluated: 2023-10-02. Review status: criteria provided, single submitter. Criteria: ARUP Molecular Germline Variant Investigation Process 2024. Collection method: clinical testing. Allele origin: germline.

Genome Diagnostics Laboratory, The Hospital for Sick Children
Classification: Likely benign for Hereditary spastic paraplegia. Last evaluated: 2020-11-04. Review status: criteria provided, single submitter. Criteria: ACMG Guidelines, 2015. Collection method: clinical testing. Allele origin: germline. Affected: yes.

Illumina Laboratory Services, Illumina
Classification: Benign for Progressive external ophthalmoplegia with mitochondrial DNA deletions, autosomal dominant 3. Last evaluated: 2018-01-12. Review status: criteria provided, single submitter. Criteria: ICSL Variant Classification Criteria 13 December 2019. Collection method: clinical testing. Allele origin: germline.
Comment: This variant was observed in the ICSL laboratory as part of a predisposition screen in an ostensibly healthy population. It had not been previously curated by ICSL or reported in the Human Gene Mutation Database (HGMD: prior to June 1st, 2018), and was therefore a candidate for classification through an automated scoring system. Utilizing variant allele frequency, disease prevalence and penetrance estimates, and inheritance mode, an automated score was calculated to assess if this variant is too frequent to cause the disease. Based on the score and internal cut-off values, a variant classified as benign is not then subjected to further curation. The score for this variant resulted in a classification of benign for this disease.

Illumina Laboratory Services, Illumina
Classification: Benign for Sensory ataxic neuropathy-dysarthria-ophthalmoparesis syndrome. Last evaluated: 2018-01-12. Review status: criteria provided, single submitter. Criteria: ICSL Variant Classification Criteria 13 December 2019. Collection method: clinical testing. Allele origin: germline.
Comment: the same text as in the submission from Illumina Laboratory Services, Illumina above.

Illumina Laboratory Services, Illumina
Classification: Uncertain significance for Autosomal recessive cerebellar ataxia. Last evaluated: 2018-01-12. Review status: criteria provided, single submitter. Criteria: ICSL Variant Classification Criteria 13 December 2019. Collection method: clinical testing. Allele origin: germline.

Illumina Laboratory Services, Illumina
Classification: Uncertain significance for Infantile onset spinocerebellar ataxia. Last evaluated: 2018-01-12. Review status: criteria provided, single submitter. Criteria: ICSL Variant Classification Criteria 13 December 2019. Collection method: clinical testing. Allele origin: germline.

Eurofins Ntd Llc (ga)
Classification: Likely benign. Last evaluated: 2015-04-24. Review status: criteria provided, single submitter. Criteria: EGL Classification Definitions 2015. Collection method: clinical testing. Allele origin: germline. Observed: 1 variant allele, 1 heterozygote.

GeneDx
Classification: Benign. Last evaluated: 2013-04-08. Review status: criteria provided, single submitter. Criteria: GeneDx Variant Classification (06012015). Collection method: clinical testing. Allele origin: germline. Affected: yes.
Comment: This variant is considered likely benign or benign based on one or more of the following criteria: it is a conservative change, it occurs at a poorly conserved position in the protein, it is predicted to be benign by multiple in silico algorithms, and/or has population frequency not consistent with disease.

Mayo Clinic Laboratories, Mayo Clinic
Classification: Likely benign. Last evaluated: 2017-12-06. Review status: no assertion criteria provided. Collection method: clinical testing. Allele origin: unknown. Not counted in ClinVar's aggregate classification.